The following is an entry in ClinVar:

NM_006648.4(WNK2):c.5824C>A (p.Pro1942Thr)

Gene: WNK2 (WNK lysine deficient protein kinase 2; plus strand). Cytogenetic location: 9q22.31.
Variant type: single nucleotide variant.
Coding change: c.5824C>A on transcript NM_006648.4 (MANE Select); coding-DNA position 5824, C replaced by A.
Protein change: p.Pro1942Thr; replaces proline 1942 with threonine.
Molecular consequence: missense variant.
Genome position (GRCh38, 1-based): chr9:93,297,968, C>A. VCF-style: chr9-93297968-C-A. GRCh37 (hg19) VCF-style: chr9-96060250-C-A.
Other names: c.5935C>A, p.Pro1979Thr (NM_001282394.3); short protein forms P1942T, P1979T.
Identifiers: ClinVar variation 4826221 (VCV004826221.1).

ClinVar aggregate classification (germline): Uncertain significance (1 of 4 stars; one submission).

Submission:

Ambry Genetics
Classification: Uncertain significance. Last evaluated: 2026-02-28. Review status: criteria provided, single submitter. Criteria: Ambry Variant Classification Scheme 2023. Collection method: clinical testing. Allele origin: germline.
Comment: The p.P1942T variant (also known as c.5824C>A), located in coding exon 23 of the WNK2 gene, results from a C to A substitution at nucleotide position 5824. The proline at codon 1942 is replaced by threonine, an amino acid with highly similar properties. This amino acid position is conserved. In addition, the in silico prediction for this alteration is inconclusive. Based on the available evidence, the clinical significance of this variant remains unclear.